The following is an entry in ClinVar:

ClinVar aggregate classification (germline): Pathogenic (1 of 4 stars; one submission).

Conditions:
KBG syndrome (KBGS). Also called: ANKRD11-Related KBG Syndrome. Identifiers: Orphanet 2332, MedGen C0220687, MONDO:0007846, OMIM 148050.

Submission:

Dubai Health Genomic Medicine Center, Dubai Health
Classification: Pathogenic for KBG syndrome. Last evaluated: 2024-10-04. Review status: criteria provided, single submitter. Criteria: ACMG Guidelines, 2015. Collection method: research. Allele origin: germline. Affected: yes.
Comment: PVS1,PS2,PM2

NM_013275.6(ANKRD11):c.2368_2369delinsTTCT (p.Glu790fs)

Gene: ANKRD11 (ankyrin repeat domain 11; minus strand). Cytogenetic location: 16q24.3.
Variant type: Indel.
Coding change: c.2368_2369delinsTTCT on transcript NM_013275.6 (MANE Select); coding-DNA positions 2368 to 2369, GA replaced by TTCT.
Protein change: p.Glu790fs; shifts the reading frame from glutamic acid 790.
Molecular consequence: frameshift variant.
Genome position (GRCh38, 1-based): chr16:89,284,173-89,284,174, TC replaced by AGAA on the plus strand (GA replaced by TTCT on the coding strand, the reverse complement: ANKRD11 is on the minus strand). VCF-style: chr16-89284173-TC-AGAA. GRCh37 (hg19) VCF-style: chr16-89350581-TC-AGAA.
Other names: c.2368_2369delinsTTCT, p.Glu790fs (NM_001256182.2, NM_001256183.2); short protein forms E790fs.
Identifiers: ClinVar variation 3384014 (VCV003384014.1).
Genomic context (GRCh38, chr16:89,284,173, plus strand): 5'-TCCCTATAAACCTTTTCTTTTTTGAGTTTTTCTTTATCTTCTTTAAAAATCTTCTCCTTC[TC>AGAA]TTTTGAAATTTTGTCCTCTTTTAAATCATTCTTCTTCTCTAATTTTGAGGGCCGGTCTTT-3'